The following is an entry in ClinVar:

ClinVar aggregate classification (germline): Uncertain significance (1 of 4 stars; one submission).

Conditions:
Inborn genetic diseases. Identifiers: MedGen C0950123, MeSH D030342.

Allele frequency attached by ClinVar (database versions not stated): gnomAD exomes below 0.00001; TOPMed below 0.00001.
gnomAD v4.1: 1 of 1,612,384 alleles (0.000062%); highest among the groups gnomAD compares: African/African-American, 0.0013%; no homozygotes.

Submission:

Ambry Genetics
Classification: Uncertain significance for Inborn genetic diseases. Last evaluated: 2023-03-23. Review status: criteria provided, single submitter. Criteria: Ambry Variant Classification Scheme 2023. Collection method: clinical testing. Allele origin: germline.
Comment: The p.N376D variant (also known as c.1126A>G), located in coding exon 10 of the LRRK2 gene, results from an A to G substitution at nucleotide position 1126. The asparagine at codon 376 is replaced by aspartic acid, an amino acid with highly similar properties. This amino acid position is conserved. In addition, this alteration is predicted to be tolerated by in silico analysis. Since supporting evidence is limited at this time, the clinical significance of this alteration remains unclear.

NM_198578.4(LRRK2):c.1126A>G (p.Asn376Asp)

Gene: LRRK2 (leucine rich repeat kinase 2; plus strand). Cytogenetic location: 12q12.
Variant type: single nucleotide variant.
Coding change: c.1126A>G on transcript NM_198578.4 (MANE Select); coding-DNA position 1126, A replaced by G.
Protein change: p.Asn376Asp; replaces asparagine 376 with aspartic acid.
Molecular consequence: missense variant.
Genome position (GRCh38, 1-based): chr12:40,251,489, A>G. VCF-style: chr12-40251489-A-G. GRCh37 (hg19) VCF-style: chr12-40645291-A-G.
Other names: short protein forms N376D.
Identifiers: ClinVar variation 2567331 (VCV002567331.2), dbSNP rs1942271619, ClinGen allele CA384408082.